The following is an entry in ClinVar:

ClinVar aggregate classification (germline): Benign (1 of 4 stars; one submission).

Conditions:
Lynch syndrome 4 (LYNCH4). Also called: Colorectal cancer, hereditary nonpolyposis, type 4; Hereditary non-polyposis colorectal cancer, type 4. Identifiers: Orphanet 144, MedGen C1838333, MONDO:0013699, OMIM 614337. Disease mechanism: loss of function.

Submission:

Myriad Genetics, Inc.
Classification: Benign for Lynch syndrome 4. Last evaluated: 2025-01-28. Review status: criteria provided, single submitter. Criteria: Myriad Autosomal Dominant, Autosomal Recessive and X-Linked Classification Criteria (2023). Collection method: clinical testing. Allele origin: unknown.
Comment: This variant is considered benign. This variant is intronic and is not expected to impact mRNA splicing.

NM_000535.7(PMS2):c.804-23C>T

Gene: PMS2 (PMS1 homolog 2, mismatch repair system component; minus strand). Cytogenetic location: 7p22.1.
Variant type: single nucleotide variant.
Coding change: c.804-23C>T on transcript NM_000535.7 (MANE Select); 23 bases into the intron before coding-DNA position 804, C replaced by T.
Molecular consequence: intron variant.
Genome position (GRCh38, 1-based): chr7:5,995,656, G>A on the plus strand (C>T on the coding strand, the complement: PMS2 is on the minus strand). VCF-style: chr7-5995656-G-A. GRCh37 (hg19) VCF-style: chr7-6035287-G-A.
Other names: c.486-23C>T (NM_001322008.2, NM_001406902.1, NM_001406883.1 and 4 more transcripts); c.495-23C>T (NM_001406881.1, NM_001406879.1, NM_001322015.2 and 6 more transcripts); c.399-23C>T (NM_001406895.1, NM_001322010.2, NM_001322004.2 and 19 more transcripts); c.133-3599C>T (NM_001406911.1); c.291-23C>T (NM_001406904.1, NM_001406905.1); c.231-23C>T (NM_001322013.2, NM_001406909.1); c.-130-23C>T (NM_001322012.2, NM_001322011.2); c.468-23C>T (NM_001406885.1); and 8 more.
Identifiers: ClinVar variation 3903669 (VCV003903669.1).